The following continues an entry in ClinVar:

NM_000179.3(MSH6):c.3217C>T (p.Pro1073Ser)

Gene: MSH6. ClinVar aggregate classification (germline): Likely benign. Likely benign (1).

Submissions 16 to 26 of 26:

GeneDx
Classification: Likely benign. Last evaluated: 2020-07-31. Review status: criteria provided, single submitter. Criteria: GeneDx Variant Classification Process June 2021. Collection method: clinical testing. Allele origin: germline. Affected: yes. Not counted in ClinVar's aggregate classification.
Comment: This variant is associated with the following publications: (PMID: 32547938, 25741868, 28767289, 23621914, 26898890, 27153395, 22703879, 18269114, 22495361, 22290698, 23047549)

Illumina Laboratory Services, Illumina
Classification: Uncertain significance for Lynch syndrome 5. Last evaluated: 2019-05-01. Review status: criteria provided, single submitter. Criteria: ICSL Variant Classification Criteria 13 December 2019. Collection method: clinical testing. Allele origin: germline. Not counted in ClinVar's aggregate classification.

Fulgent Genetics
Classification: Uncertain significance for Mismatch repair cancer syndrome 1; Endometrial carcinoma; Lynch syndrome 5. Last evaluated: 2018-10-31. Review status: criteria provided, single submitter. Criteria: ACMG Guidelines, 2015. Collection method: clinical testing. Allele origin: unknown. Not counted in ClinVar's aggregate classification.

Ambry Genetics
Classification: Benign for Hereditary cancer-predisposing syndrome. Last evaluated: 2018-09-28. Review status: criteria provided, single submitter. Criteria: Ambry Variant Classification Scheme 2023. Collection method: clinical testing. Allele origin: germline. Not counted in ClinVar's aggregate classification.

University of Washington Department of Laboratory Medicine, University of Washington
Classification: Uncertain significance for Lynch syndrome. Last evaluated: 2018-05-01. Review status: criteria provided, single submitter. Criteria: Shirts BH et al. (Am J Hum Genet 2018). Collection method: clinical testing. Allele origin: somatic. Affected: yes. Not counted in ClinVar's aggregate classification.
Comment: MSH6 NM_000179.2:c.3217C>T has a 74.5% probability of pathogenicity based on combining prior probability from public data with a likelihood ratio of 26.5 to 1, generated from evidence of seeing this as a somatic mutation in a tumor with loss of heterozygosity at the MSH6 locus. See Shirts et al 2018, PMID 29887214.

Baylor Genetics
Classification: Uncertain significance for Lynch syndrome 5. Last evaluated: 2018-03-22. Review status: criteria provided, single submitter. Criteria: ACMG Guidelines, 2015. Collection method: clinical testing. Allele origin: paternal. Affected: yes. Not counted in ClinVar's aggregate classification.
Comment: This variant was determined to be of uncertain significance according to ACMG Guidelines, 2015 [PMID:25741868].

Center for Human Genetics, Inc
Classification: Uncertain significance for Lynch syndrome 5. Last evaluated: 2016-11-01. Review status: criteria provided, single submitter. Criteria: ACMG Guidelines, 2015. Collection method: clinical testing. Allele origin: germline. Affected: yes. Not counted in ClinVar's aggregate classification.

PreventionGenetics, part of Exact Sciences
Classification: Likely benign for MSH6-related condition. Last evaluated: 2021-02-12. Review status: no assertion criteria provided. Collection method: clinical testing. Allele origin: germline. Not counted in ClinVar's aggregate classification.
Comment: This variant is classified as likely benign based on ACMG/AMP sequence variant interpretation guidelines (Richards et al. 2015 PMID: 25741868, with internal and published modifications).

Biesecker Lab/Clinical Genomics Section, National Institutes of Health
Classification: Uncertain significance. Last evaluated: 2012-07-13. Review status: no assertion criteria provided. Collection method: research. Allele origin: germline. Affected: no. Observed: 2 variant alleles. Study: ClinSeq. Not counted in ClinVar's aggregate classification.
ClinVar note: Converted during submission from variant of unknown significance to Uncertain significance.

Department of Pathology and Laboratory Medicine, Sinai Health System
Classification: Uncertain significance for Carcinoma of colon. Review status: no assertion criteria provided. Collection method: clinical testing. Allele origin: unknown. Affected: yes. Study: The Canadian Open Genetics Repository (COGR). Not counted in ClinVar's aggregate classification.
Comment: The MSH6 p.Pro1073Ser variant was identified in 4 of 6780 proband chromosomes (frequency: 0.0006) from individuals or families with Lynch syndrome, ovarian cancer, and colorectal cancer (Okkels 2012, Pal 2012, Haraldsdottir 2017). The variant was also identified in dbSNP (ID: rs142254875) as â€šÃ„ÃºWith Uncertain significance alleleâ€šÃ„Ã¹, in ClinVar (10x as Uncertain Significance by InSiGHT, GeneDx, University of Chicago, Biesecker Lab, Mayo Clinic and Praxis fuer Humangenetik, as Likely Benign by Ambry and as Benign by Invitae), UMD-LSDB (5x and classified as unknown), Mismatch Repair Genes Variant Database (1x), and the Insight Hereditary Tumors Database (1x). The variant was not identified in Cosmic, MutDB, Insight Colon Cancer Gene Variant Database, Zhejiang University Database, or the MMR Gene Unclassified Variants Database. The variant was identified in control databases in 113 of 277092 chromosomes at a frequency of 0.0004 (Genome Aggregation Database Feb 27, 2017). It was observed in the following populations: â€šÃ„ÃºOtherâ€šÃ„Ã¹ in 6 of 6466 chromosomes (freq: 0.001), Latino in 1 of 34390 chromosomes (freq: 0.00003), European Non-Finnish in 27 of 126636 chromosomes (freq: 0.0002), Ashkenazi Jewish in 78 of 10150 chromosomes (freq: 0.008), Finnish in 1 of 25786 chromosomes (freq: 0.00004); it was not observed in the African, East Asian, and South Asian populations. The variant was identified in 2 cases both showing normal IHC from a cohort of patients referred to genetics clinic for suspicion of Lynch Syndrome (Okkels 2012). A study developing a bioinformatics tool that integrates prediction results and structural properties classified this variant as having no impact on MSH6 (Terui 2013). The p.Pro1073 residue is not conserved in mammals and computational analyses (PolyPhen-2, SIFT, AlignGVGD, BLOSUM, MutationTaster) provide inconsistent predictions regarding the impact to the protein; this information is not very predictive of pathogenicity. The variant occurs outside of the splicing consensus sequence and in silico or computational prediction software programs (SpliceSiteFinder, MaxEntScan, NNSPLICE, GeneSplicer, HumanSpliceFinder) do not predict a difference in splicing. In summary, based on the above information the clinical significance of this variant cannot be determined with certainty at this time. This variant is classified as a variant of uncertain significance.

Mayo Clinic Laboratories, Mayo Clinic
Classification: Uncertain significance. Review status: no assertion criteria provided. Collection method: research. Allele origin: unknown. Observed: 1 variant allele. Not counted in ClinVar's aggregate classification.

Literature cited by the submitters: PubMed 27363726 (cited by Myriad Genetics, Inc.); PubMed 28466842 (cited by 3 submitters); PubMed 23621914 (cited by 3 submitters); PubMed 22290698 (cited by 3 submitters); PubMed 18269114 (cited by Quest Diagnostics Nichols Institute San Juan Capistrano and Women's Health and Genetics/Laboratory Corporation of America, LabCorp); PubMed 22495361 (cited by 3 submitters); PubMed 32547938 (cited by Quest Diagnostics Nichols Institute San Juan Capistrano); PubMed 28767289 (cited by 3 submitters); PubMed 31391288 (cited by Quest Diagnostics Nichols Institute San Juan Capistrano and Women's Health and Genetics/Laboratory Corporation of America, LabCorp); PubMed 23047549 (cited by Women's Health and Genetics/Laboratory Corporation of America, LabCorp); PubMed 25231023 (cited by Women's Health and Genetics/Laboratory Corporation of America, LabCorp); PubMed 26898890 (cited by Women's Health and Genetics/Laboratory Corporation of America, LabCorp); PubMed 28873162 (cited by Women's Health and Genetics/Laboratory Corporation of America, LabCorp).